The following is an entry in ClinVar:

NM_006662.3(SRCAP):c.7993C>T (p.Gln2665Ter)

Gene: SRCAP (Snf2 related CREBBP activator protein; plus strand). Cytogenetic location: 16p11.2.
Variant type: single nucleotide variant.
Coding change: c.7993C>T on transcript NM_006662.3 (MANE Select); coding-DNA position 7993, C replaced by T.
Protein change: p.Gln2665Ter; replaces glutamine 2665 with a stop codon.
Molecular consequence: nonsense.
Genome position (GRCh38, 1-based): chr16:30,738,033, C>T. VCF-style: chr16-30738033-C-T. GRCh37 (hg19) VCF-style: chr16-30749354-C-T.
Other names: short protein forms Q2665*.
Identifiers: ClinVar variation 160038 (VCV000160038.7), dbSNP rs587784444, ClinGen allele CA272646.

ClinVar aggregate classification (germline): Pathogenic/Likely pathogenic. Review status: criteria provided, multiple submitters, no conflicts (2 of 4 stars). 2 submissions from 2 submitters: Pathogenic (1); Likely pathogenic (1). Last evaluated 2023-02-23.

Conditions:
Floating-Harbor syndrome (FLHS). Also called: Short stature with delayed bone age, expressive language delay, a triangular face with a prominent nose and deep-set eyes; Pelletier-Leisti syndrome; SRCAP-Related Floating-Harbor Syndrome. Identifiers: Orphanet 2044, MedGen C0729582, MONDO:0007621, OMIM 136140.

Submissions (2):

3billion
Classification: Likely pathogenic for Floating-Harbor syndrome. Last evaluated: 2023-02-23. Review status: criteria provided, single submitter. Criteria: ACMG Guidelines, 2015. Collection method: clinical testing. Allele origin: unknown. Affected: yes.
Comment: The variant is not observed in the gnomAD v2.1.1 dataset. This variant was predicted to result in a loss or disruption of normal protein function through protein truncation. The predicted truncated protein may be shortened by more than 10%. Multiple pathogenic variants are reported downstream of the variant. The variant has been reported to be associated with SRCAP related disorder (ClinVar ID: VCV000160038). Therefore, this variant is classified as Likely pathogenic according to the recommendation of ACMG/AMP guideline.

Genetic Services Laboratory, University of Chicago
Classification: Pathogenic for Floating-Harbor syndrome. Last evaluated: 2013-11-15. Review status: criteria provided, single submitter. Criteria: ACMG Guidelines, 2007. Collection method: clinical testing. Allele origin: germline. Inheritance: Autosomal dominant inheritance. Affected: yes.